The following is an entry in ClinVar:

NM_001378418.1(TCF20):c.1445A>C (p.Gln482Pro)

Gene: TCF20 (transcription factor 20; minus strand). Cytogenetic location: 22q13.2.
Variant type: single nucleotide variant.
Coding change: c.1445A>C on transcript NM_001378418.1 (MANE Select); coding-DNA position 1445, A replaced by C.
Protein change: p.Gln482Pro; replaces glutamine 482 with proline.
Molecular consequence: missense variant.
Genome position (GRCh38, 1-based): chr22:42,213,861, T>G on the plus strand (A>C on the coding strand, the complement: TCF20 is on the minus strand). VCF-style: chr22-42213861-T-G. GRCh37 (hg19) VCF-style: chr22-42609867-T-G.
Other names: c.1445A>C, p.Gln482Pro (NM_005650.4, NM_181492.3); short protein forms Q482P.
Identifiers: ClinVar variation 4776818 (VCV004776818.1).
Genomic context (GRCh38, chr22:42,213,861, plus strand): 5'-TCAGAATTTGTGCAGCTATCTGCTTTCTTGGAAGATGAGGGCCTCTTGGAGGTCTTCTTC[T>G]GAGGAGTCAGGGCATCAGAAAGTAACATGTGCTGGACAGTGTTAGGAAGATTGGCCACTT-3'
Protein context (NP_001365347.1, residues 472-492): HMLLSDALTP[Gln482Pro]KKTSKRPSSS

ClinVar aggregate classification (germline): Uncertain significance (1 of 4 stars; one submission).

gnomAD v4.1: 1 of 1,614,206 alleles (0.000062%); highest among the groups gnomAD compares: Non-Finnish European, 0.000085%; no homozygotes.

Submission:

Labcorp Genetics (formerly Invitae), Labcorp
Classification: Uncertain significance. Last evaluated: 2025-05-09. Review status: criteria provided, single submitter. Criteria: Invitae Variant Classification Sherloc (09022015). Collection method: clinical testing. Allele origin: germline.
Comment: This sequence change replaces glutamine, which is neutral and polar, with proline, which is neutral and non-polar, at codon 482 of the TCF20 protein (p.Gln482Pro). This variant is present in population databases (no rsID available, gnomAD no frequency). This variant has not been reported in the literature in individuals affected with TCF20-related conditions. An algorithm developed to predict the effect of missense changes on protein structure and function (PolyPhen-2) suggests that this variant is likely to be disruptive. In summary, the available evidence is currently insufficient to determine the role of this variant in disease. Therefore, it has been classified as a Variant of Uncertain Significance.